The following is an entry in ClinVar:

NM_018100.4(EFHC1):c.1786A>G (p.Arg596Gly)

Gene: EFHC1 (EF-hand domain containing 1; plus strand). Cytogenetic location: 6p12.2.
Variant type: single nucleotide variant.
Coding change: c.1786A>G on transcript NM_018100.4 (MANE Select); coding-DNA position 1786, A replaced by G.
Protein change: p.Arg596Gly; replaces arginine 596 with glycine.
Molecular consequence: missense variant. On other transcripts: non-coding transcript variant (1).
Genome position (GRCh38, 1-based): chr6:52,490,285, A>G. VCF-style: chr6-52490285-A-G. GRCh37 (hg19) VCF-style: chr6-52355083-A-G.
Other names: c.1729A>G, p.Arg577Gly (NM_001172420.2); short protein forms R596G, R577G.
Identifiers: ClinVar variation 958990 (VCV000958990.11), dbSNP rs1765870228, ClinGen allele CA364458872.

ClinVar aggregate classification (germline): Uncertain significance (1 of 4 stars; one submission).

Conditions:
Myoclonic epilepsy, juvenile, susceptibility to, 1. Also called: Myoclonic Epilepsy, Juvenile, 1; EJM1. Identifiers: MedGen C1850778, MONDO:0020752, OMIM 254770.
Absence seizure. Also called: Absence epilepsy. Identifiers: Orphanet 1941, MedGen C0014553.

Allele frequency attached by ClinVar (database versions not stated): gnomAD exomes below 0.00001.
gnomAD v4.1: 1 of 1,614,208 alleles (0.000062%); highest among the groups gnomAD compares: Admixed American, 0.0017%; no homozygotes.

Submission:

Labcorp Genetics (formerly Invitae), Labcorp
Classification: Uncertain significance for Myoclonic epilepsy, juvenile, susceptibility to, 1; Absence seizure. Last evaluated: 2019-09-19. Review status: criteria provided, single submitter. Criteria: Invitae Variant Classification Sherloc (09022015). Collection method: clinical testing. Allele origin: germline.
Comment: This sequence change replaces arginine with glycine at codon 596 of the EFHC1 protein (p.Arg596Gly). The arginine residue is moderately conserved and there is a moderate physicochemical difference between arginine and glycine. This variant is not present in population databases (ExAC no frequency). This variant has not been reported in the literature in individuals with EFHC1-related conditions. Algorithms developed to predict the effect of missense changes on protein structure and function are either unavailable or do not agree on the potential impact of this missense change (SIFT: "Deleterious"; PolyPhen-2: "Benign"; Align-GVGD: "Class C0"). In summary, the available evidence is currently insufficient to determine the role of this variant in disease. Therefore, it has been classified as a Variant of Uncertain Significance.